The following is an entry in ClinVar:

NM_174934.4(SCN4B):c.397G>A (p.Val133Met)

Genes: SCN4B (sodium voltage-gated channel beta subunit 4; minus strand), LOC126861356 (BRD4-independent group 4 enhancer GRCh37_chr11:118014519-118015718; plus strand). Cytogenetic location: 11q23.3.
Variant type: single nucleotide variant.
Coding change: c.397G>A on transcript NM_174934.4 (MANE Select); coding-DNA position 397, G replaced by A.
Protein change: p.Val133Met; replaces valine 133 with methionine.
Molecular consequence: missense variant. On other transcripts: intron variant (1).
Genome position (GRCh38, 1-based): chr11:118,143,899, C>T on the plus strand (G>A on the coding strand, the complement: SCN4B is on the minus strand). VCF-style: chr11-118143899-C-T. GRCh37 (hg19) VCF-style: chr11-118014614-C-T.
Other names: c.67G>A, p.Val23Met (NM_001142349.2); c.62-2563G>A (NM_001142348.2); short protein forms V133M, V23M.
Identifiers: ClinVar variation 452457 (VCV000452457.8), dbSNP rs772935082, ClinGen allele CA6300222.

ClinVar aggregate classification (germline): Uncertain significance. Review status: criteria provided, multiple submitters, no conflicts (2 of 4 stars). 3 submissions from 3 submitters: Uncertain significance (3). Last evaluated 2025-11-02.

Conditions:
Long QT syndrome 10 (LQT10). Identifiers: Orphanet 101016, Orphanet 768, MedGen C2678484, MONDO:0012737, OMIM 611819.

Allele frequency attached by ClinVar (database versions not stated): gnomAD exomes below 0.00001; TOPMed below 0.00001; ExAC 0.00001; gnomAD 0.00001.
gnomAD v4.1: 5 of 1,613,794 alleles (0.00031%); highest among the groups gnomAD compares: Admixed American, 0.0017%; no homozygotes.

Submissions (3):

Labcorp Genetics (formerly Invitae), Labcorp
Classification: Uncertain significance for Long QT syndrome 10. Last evaluated: 2025-11-02. Review status: criteria provided, single submitter. Criteria: Invitae Variant Classification Sherloc (09022015). Collection method: clinical testing. Allele origin: germline.
Comment: This sequence change replaces valine, which is neutral and non-polar, with methionine, which is neutral and non-polar, at codon 133 of the SCN4B protein (p.Val133Met). This variant is present in population databases (rs772935082, gnomAD 0.003%). This variant has not been reported in the literature in individuals affected with SCN4B-related conditions. ClinVar contains an entry for this variant (Variation ID: 452457). An algorithm developed to predict the effect of missense changes on protein structure and function (PolyPhen-2) suggests that this variant is likely to be disruptive. In summary, the available evidence is currently insufficient to determine the role of this variant in disease. Therefore, it has been classified as a Variant of Uncertain Significance.

AiLife Diagnostics
Classification: Uncertain significance. Last evaluated: 2021-10-21. Review status: criteria provided, single submitter. Criteria: ACMG Guidelines, 2015. Collection method: clinical testing. Allele origin: germline. Affected: yes. Observed: 1 variant allele.

GeneDx
Classification: Uncertain significance. Last evaluated: 2017-09-29. Review status: criteria provided, single submitter. Criteria: GeneDx Variant Classification (06012015). Collection method: clinical testing. Allele origin: germline. Affected: yes.
Comment: The V133M variant has not been published as pathogenic or been reported as benign to our knowledge. The V133M variant is not observed at a significant frequency in large population cohorts (Lek et al., 2016). This substitution occurs at a position that is conserved across species, and in silico analysis predicts this variant is probably damaging to the protein structure/function. Nevertheless, the V133M variant is a conservative amino acid substitution, which is not likely to impact secondary protein structure as these residues share similar properties.